The following is an entry in ClinVar:

NM_001130987.2(DYSF):c.5686C>T (p.His1896Tyr)

Gene: DYSF (dysferlin; plus strand). Cytogenetic location: 2p13.2.
Variant type: single nucleotide variant.
Coding change: c.5686C>T on transcript NM_001130987.2 (MANE Select); coding-DNA position 5686, C replaced by T.
Protein change: p.His1896Tyr; replaces histidine 1896 with tyrosine.
Molecular consequence: missense variant.
Genome position (GRCh38, 1-based): chr2:71,669,648, C>T. VCF-style: chr2-71669648-C-T. GRCh37 (hg19) VCF-style: chr2-71896778-C-T.
Other names: c.5572C>T, p.His1858Tyr (NM_001130455.2); c.5527C>T, p.His1843Tyr (NM_001130976.2); c.5590C>T, p.His1864Tyr (NM_001130977.2); c.5632C>T, p.His1878Tyr (NM_001130978.2); c.5662C>T, p.His1888Tyr (NM_001130979.2); c.5620C>T, p.His1874Tyr (NM_001130980.2); c.5683C>T, p.His1895Tyr (NM_001130981.2); c.5665C>T, p.His1889Tyr (NM_001130982.2); and 5 more; short protein forms H1843Y, H1844Y, H1857Y, H1858Y, H1864Y, H1865Y, H1874Y, H1875Y.
Identifiers: ClinVar variation 3233957 (VCV003233957.2), dbSNP rs2546579468, ClinGen allele CA347223604.
Genomic context (GRCh38, chr2:71,669,648, plus strand): 5'-AAAACATGTATGTCTAGTTGGATGATTGGCTTTGAAGAACACAAGCAAAAGACAGACGTG[C>T]ATTATCGTTCCCTGGGAGGTGAAGGCAACTTCAACTGGAGGTTCATTTTCCCCTTCGACT-3'
Protein context (NP_001124459.1, residues 1886-1906): FEEHKQKTDV[His1896Tyr]YRSLGGEGNF

ClinVar aggregate classification (germline): Uncertain significance (1 of 4 stars; one submission).

Submission:

Women's Health and Genetics/Laboratory Corporation of America, LabCorp
Classification: Uncertain significance. Last evaluated: 2024-03-14. Review status: criteria provided, single submitter. Criteria: LabCorp Variant Classification Summary - May 2015. Collection method: clinical testing. Allele origin: germline.
Comment: Variant summary: DYSF c.5569C>T (p.His1857Tyr) results in a conservative amino acid change located in the C2 domain (IPR000008) of the encoded protein sequence. Four of five in-silico tools predict a damaging effect of the variant on protein function. The variant was absent in 251494 control chromosomes. The available data on variant occurrences in the general population are insufficient to allow any conclusion about variant significance. To our knowledge, no occurrence of c.5569C>T in individuals affected with Limb-Girdle Muscular Dystrophy, Autosomal Recessive and no experimental evidence demonstrating its impact on protein function have been reported. No submitters have cited clinical-significance assessments for this variant to ClinVar. Based on the evidence outlined above, the variant was classified as uncertain significance.